The following is an entry in ClinVar:

NM_007194.4(CHEK2):c.995T>A (p.Leu332His)

Gene: CHEK2 (checkpoint kinase 2; minus strand). Cytogenetic location: 22q12.1.
Variant type: single nucleotide variant.
Coding change: c.995T>A on transcript NM_007194.4 (MANE Select); coding-DNA position 995, T replaced by A.
Protein change: p.Leu332His; replaces leucine 332 with histidine.
Molecular consequence: missense variant.
Genome position (GRCh38, 1-based): chr22:28,699,851, A>T on the plus strand (T>A on the coding strand, the complement: CHEK2 is on the minus strand). VCF-style: chr22-28699851-A-T. GRCh37 (hg19) VCF-style: chr22-29095839-A-T.
Other names: c.1124T>A, p.Leu375His (NM_001005735.3); c.332T>A, p.Leu111His (NM_001257387.3); c.794T>A, p.Leu265His (NM_001349956.3); c.995T>A, p.Leu332His (NM_145862.3); short protein forms L375H, L332H, L111H, L265H.
Identifiers: ClinVar variation 1355070 (VCV001355070.9), dbSNP rs1555915337, ClinGen allele CA411099424.

ClinVar aggregate classification (germline): Uncertain significance (1 of 4 stars; one submission).

Conditions:
Familial cancer of breast. Also called: hereditary breast carcinoma; Hereditary breast cancer; BREAST CANCER, FAMILIAL. Identifiers: Orphanet 227535, MedGen C0346153, MONDO:0016419, OMIM 114480. Disease mechanism: loss of function.

Submission:

Labcorp Genetics (formerly Invitae), Labcorp
Classification: Uncertain significance for Familial cancer of breast. Last evaluated: 2025-05-05. Review status: criteria provided, single submitter. Criteria: Invitae Variant Classification Sherloc (09022015). Collection method: clinical testing. Allele origin: germline.
Comment: This sequence change replaces leucine, which is neutral and non-polar, with histidine, which is basic and polar, at codon 332 of the CHEK2 protein (p.Leu332His). This variant is not present in population databases (gnomAD no frequency). This variant has not been reported in the literature in individuals affected with CHEK2-related conditions. ClinVar contains an entry for this variant (Variation ID: 1355070). An algorithm developed to predict the effect of missense changes on protein structure and function (PolyPhen-2) suggests that this variant is likely to be disruptive. In summary, the available evidence is currently insufficient to determine the role of this variant in disease. Therefore, it has been classified as a Variant of Uncertain Significance.